The following is an entry in ClinVar:

NM_015512.5(DNAH1):c.11787C>T (p.His3929=)

Gene: DNAH1 (dynein axonemal heavy chain 1; plus strand). Cytogenetic location: 3p21.1.
Variant type: single nucleotide variant.
Coding change: c.11787C>T on transcript NM_015512.5 (MANE Select); coding-DNA position 11787, C replaced by T.
Protein change: p.His3929=; no amino-acid change (histidine 3929 retained).
Molecular consequence: synonymous variant.
Genome position (GRCh38, 1-based): chr3:52,397,044, C>T. VCF-style: chr3-52397044-C-T. GRCh37 (hg19) VCF-style: chr3-52431060-C-T.
Identifiers: ClinVar variation 1437534 (VCV001437534.4), dbSNP rs763327180, ClinGen allele CA2436280.

ClinVar aggregate classification (germline): Uncertain significance (1 of 4 stars; one submission).

Conditions:
Spermatogenic failure 18. Identifiers: MedGen C4539783, MONDO:0054615, OMIM 617576.
Ciliary dyskinesia, primary, 37 (CILD37). Also called: CILIARY DYSKINESIA, PRIMARY, 37, WITH OR WITHOUT SITUS INVERSUS. Identifiers: MedGen C4539798, MONDO:0033204, OMIM 617577.

Allele frequency attached by ClinVar (database versions not stated): TOPMed 0.00001; gnomAD 0.00002; gnomAD exomes 0.00002 and 0.00004; ExAC 0.00006.
gnomAD v4.1: 62 of 1,599,994 alleles (0.0039%); highest among the groups gnomAD compares: Non-Finnish European, 0.0047%; no homozygotes.

Submission:

Labcorp Genetics (formerly Invitae), Labcorp
Classification: Uncertain significance for Ciliary dyskinesia, primary, 37; Spermatogenic failure 18. Last evaluated: 2021-07-22. Review status: criteria provided, single submitter. Criteria: Invitae Variant Classification Sherloc (09022015). Collection method: clinical testing. Allele origin: germline.
Comment: In summary, the available evidence is currently insufficient to determine the role of this variant in disease. Therefore, it has been classified as a Variant of Uncertain Significance. Algorithms developed to predict the effect of sequence changes on RNA splicing suggest that this variant may disrupt the consensus splice site. This variant has not been reported in the literature in individuals affected with DNAH1-related conditions. This variant is present in population databases (rs763327180, ExAC 0.02%). This sequence change affects codon 3929 of the DNAH1 mRNA. It is a 'silent' change, meaning that it does not change the encoded amino acid sequence of the DNAH1 protein. It affects a nucleotide within the consensus splice site of the intron.